The following is an entry in ClinVar:

NM_003072.5(SMARCA4):c.4901A>G (p.Glu1634Gly)

Gene: SMARCA4 (SWI/SNF related BAF chromatin remodeling complex subunit ATPase 4; plus strand). Cytogenetic location: 19p13.2.
Variant type: single nucleotide variant.
Coding change: c.4901A>G on transcript NM_003072.5 (MANE Select); coding-DNA position 4901, A replaced by G.
Protein change: p.Glu1634Gly; replaces glutamic acid 1634 with glycine.
Molecular consequence: missense variant. On other transcripts: non-coding transcript variant (1).
Genome position (GRCh38, 1-based): chr19:11,060,177, A>G. VCF-style: chr19-11060177-A-G. GRCh37 (hg19) VCF-style: chr19-11170853-A-G.
Other names: c.4901A>G, p.Glu1634Gly (NM_001128844.3); c.4811A>G, p.Glu1604Gly (NM_001128845.2); c.4808A>G, p.Glu1603Gly (NM_001128846.2); c.4802A>G, p.Glu1601Gly (NM_001128847.4, NM_001374457.1); c.4799A>G, p.Glu1600Gly (NM_001128848.2); c.4997A>G, p.Glu1666Gly (NM_001128849.3, NM_001387283.1); c.4898A>G, p.Glu1633Gly (NM_001411150.1); short protein forms E1600G, E1601G, E1603G, E1604G, E1633G, E1634G, E1666G.
Identifiers: ClinVar variation 4802591 (VCV004802591.1).

ClinVar aggregate classification (germline): Uncertain significance (1 of 4 stars; one submission).

Conditions:
Rhabdoid tumor predisposition syndrome 2 (RTPS2). Identifiers: Orphanet 231108, Orphanet 69077, MedGen C2750074, MONDO:0013224, OMIM 613325.

Submission:

Labcorp Genetics (formerly Invitae), Labcorp
Classification: Uncertain significance for Rhabdoid tumor predisposition syndrome 2. Last evaluated: 2025-03-17. Review status: criteria provided, single submitter. Criteria: Invitae Variant Classification Sherloc (09022015). Collection method: clinical testing. Allele origin: germline.
Comment: This sequence change replaces glutamic acid, which is acidic and polar, with glycine, which is neutral and non-polar, at codon 1666 of the SMARCA4 protein (p.Glu1666Gly). This variant is not present in population databases (gnomAD no frequency). This variant has not been reported in the literature in individuals affected with SMARCA4-related conditions. Invitae Evidence Modeling of protein sequence and biophysical properties (such as structural, functional, and spatial information, amino acid conservation, physicochemical variation, residue mobility, and thermodynamic stability) has been performed for this missense variant. However, the output from this modeling did not meet the statistical confidence thresholds required to predict the impact of this variant on SMARCA4 protein function. In summary, the available evidence is currently insufficient to determine the role of this variant in disease. Therefore, it has been classified as a Variant of Uncertain Significance.